The following is an entry in ClinVar:

NM_000020.3(ACVRL1):c.1306G>A (p.Glu436Lys)

Gene: ACVRL1 (activin A receptor like type 1; plus strand). Cytogenetic location: 12q13.13.
Variant type: single nucleotide variant.
Coding change: c.1306G>A on transcript NM_000020.3 (MANE Select); coding-DNA position 1306, G replaced by A.
Protein change: p.Glu436Lys; replaces glutamic acid 436 with lysine.
Molecular consequence: missense variant.
Genome position (GRCh38, 1-based): chr12:51,919,044, G>A. VCF-style: chr12-51919044-G-A. GRCh37 (hg19) VCF-style: chr12-52312828-G-A.
Other names: c.1306G>A, p.Glu436Lys (NM_001406488.1, NM_001406489.1, NM_001077401.2 and 1 more transcripts); c.1150G>A, p.Glu384Lys (NM_001406490.1); c.994G>A, p.Glu332Lys (NM_001406491.1, NM_001406492.1, NM_001406493.1); c.796G>A, p.Glu266Lys (NM_001406494.1); c.742G>A, p.Glu248Lys (NM_001406495.1); short protein forms E384K, E436K, E332K, E248K, E266K.
Identifiers: ClinVar variation 3635228 (VCV003635228.2).

ClinVar aggregate classification (germline): Uncertain significance (1 of 4 stars; one submission).

Conditions:
Telangiectasia, hereditary hemorrhagic, type 2 (HHT2). Also called: ACVRL1-Related Hereditary Hemorrhagic Telangiectasia; Telangiectasia, hereditary hemorrhagic, type II. Identifiers: Orphanet 774, MedGen C1838163, MONDO:0010880, OMIM 600376. Disease mechanism: loss of function.

Submission:

Labcorp Genetics (formerly Invitae), Labcorp
Classification: Uncertain significance for Telangiectasia, hereditary hemorrhagic, type 2. Last evaluated: 2024-12-30. Review status: criteria provided, single submitter. Criteria: Invitae Variant Classification Sherloc (09022015). Collection method: clinical testing. Allele origin: germline.
Comment: This sequence change replaces glutamic acid, which is acidic and polar, with lysine, which is basic and polar, at codon 436 of the ACVRL1 protein (p.Glu436Lys). This variant is not present in population databases (gnomAD no frequency). This missense change has been observed in individual(s) with clinical features of ACVRL1-related conditions (internal data). Invitae Evidence Modeling of protein sequence and biophysical properties (such as structural, functional, and spatial information, amino acid conservation, physicochemical variation, residue mobility, and thermodynamic stability) indicates that this missense variant is expected to disrupt ACVRL1 protein function with a positive predictive value of 95%. In summary, the available evidence is currently insufficient to determine the role of this variant in disease. Therefore, it has been classified as a Variant of Uncertain Significance.